The following is an entry in ClinVar:

NM_001376.5(DYNC1H1):c.7729C>T (p.His2577Tyr)

Gene: DYNC1H1 (dynein cytoplasmic 1 heavy chain 1; plus strand). Cytogenetic location: 14q32.31.
Variant type: single nucleotide variant.
Coding change: c.7729C>T on transcript NM_001376.5 (MANE Select); coding-DNA position 7729, C replaced by T.
Protein change: p.His2577Tyr; replaces histidine 2577 with tyrosine.
Molecular consequence: missense variant.
Genome position (GRCh38, 1-based): chr14:102,016,880, C>T. VCF-style: chr14-102016880-C-T. GRCh37 (hg19) VCF-style: chr14-102483217-C-T.
Other names: short protein forms H2577Y.
Identifiers: ClinVar variation 1721744 (VCV001721744.7), dbSNP rs2503771965, ClinGen allele CA391002783.

ClinVar aggregate classification (germline): Uncertain significance. Review status: criteria provided, multiple submitters, no conflicts (2 of 4 stars). 2 submissions from 2 submitters: Uncertain significance (2). Last evaluated 2022-10-16.

Conditions:
Inborn genetic diseases. Identifiers: MedGen C0950123, MeSH D030342.
Charcot-Marie-Tooth disease axonal type 2O. Also called: CHARCOT-MARIE-TOOTH NEUROPATHY, AXONAL, TYPE 2O; CHARCOT-MARIE-TOOTH DISEASE, AXONAL, AUTOSOMAL DOMINANT, TYPE 2O; Charcot-Marie-Tooth disease, axonal, type 20; Charcot-Marie-Tooth Neuropathy Type 2O. Identifiers: Orphanet 284232, MedGen C3280220, MONDO:0013644, OMIM 614228.

Submissions (2):

Labcorp Genetics (formerly Invitae), Labcorp
Classification: Uncertain significance for Charcot-Marie-Tooth disease axonal type 2O. Last evaluated: 2022-10-16. Review status: criteria provided, single submitter. Criteria: Invitae Variant Classification Sherloc (09022015). Collection method: clinical testing. Allele origin: germline.
Comment: In summary, the available evidence is currently insufficient to determine the role of this variant in disease. Therefore, it has been classified as a Variant of Uncertain Significance. Advanced modeling of protein sequence and biophysical properties (such as structural, functional, and spatial information, amino acid conservation, physicochemical variation, residue mobility, and thermodynamic stability) has been performed at Invitae for this missense variant, however the output from this modeling did not meet the statistical confidence thresholds required to predict the impact of this variant on DYNC1H1 protein function. This sequence change replaces histidine, which is basic and polar, with tyrosine, which is neutral and polar, at codon 2577 of the DYNC1H1 protein (p.His2577Tyr). This variant is not present in population databases (gnomAD no frequency). This variant has not been reported in the literature in individuals affected with DYNC1H1-related conditions.

Ambry Genetics
Classification: Uncertain significance for Inborn genetic diseases. Last evaluated: 2019-06-21. Review status: criteria provided, single submitter. Criteria: Ambry Variant Classification Scheme 2023. Collection method: clinical testing. Allele origin: germline.
Comment: The p.H2577Y variant (also known as c.7729C>T), located in coding exon 38 of the DYNC1H1 gene, results from a C to T substitution at nucleotide position 7729. The histidine at codon 2577 is replaced by tyrosine, an amino acid with similar properties. This amino acid position is highly conserved in available vertebrate species. In addition, this alteration is predicted to be deleterious by in silico analysis. Since supporting evidence is limited at this time, the clinical significance of this alteration remains unclear.